The following is an entry in ClinVar:

NM_024422.6(DSC2):c.1114G>T (p.Glu372Ter)

Gene: DSC2 (desmocollin 2; minus strand). Cytogenetic location: 18q12.1.
Variant type: single nucleotide variant.
Coding change: c.1114G>T on transcript NM_024422.6 (MANE Select); coding-DNA position 1114, G replaced by T.
Protein change: p.Glu372Ter; replaces glutamic acid 372 with a stop codon.
Molecular consequence: nonsense.
Genome position (GRCh38, 1-based): chr18:31,082,387, C>A on the plus strand (G>T on the coding strand, the complement: DSC2 is on the minus strand). VCF-style: chr18-31082387-C-A. GRCh37 (hg19) VCF-style: chr18-28662353-C-A.
Other names: c.685G>T, p.Glu229Ter (NM_001406506.1, NM_001406507.1); c.1114G>T, p.Glu372Ter (NM_004949.5); short protein forms E229*, E372*.
Identifiers: ClinVar variation 3772454 (VCV003772454.13).

ClinVar aggregate classification (germline): Pathogenic (1 of 4 stars; one submission).

Submission:

CeGaT Center for Human Genetics Tuebingen
Classification: Pathogenic. Last evaluated: 2025-02-01. Review status: criteria provided, single submitter. Criteria: CeGaT Center For Human Genetics Tuebingen Variant Classification Criteria Version 2. Collection method: clinical testing. Allele origin: germline. Affected: yes. Observed: 1 variant allele.
Comment: DSC2: PVS1, PM2